The following is an entry in ClinVar:

NM_006767.4(LZTR1):c.332C>A (p.Thr111Asn)

Gene: LZTR1 (leucine zipper like post translational regulator 1; plus strand). Cytogenetic location: 22q11.21.
Variant type: single nucleotide variant.
Coding change: c.332C>A on transcript NM_006767.4 (MANE Select); coding-DNA position 332, C replaced by A.
Protein change: p.Thr111Asn; replaces threonine 111 with asparagine.
Molecular consequence: missense variant.
Genome position (GRCh38, 1-based): chr22:20,987,515, C>A. VCF-style: chr22-20987515-C-A. GRCh37 (hg19) VCF-style: chr22-21341804-C-A.
Other names: short protein forms T111N.
Identifiers: ClinVar variation 3541617 (VCV003541617.1).

ClinVar aggregate classification (germline): Uncertain significance (1 of 4 stars; one submission).

Conditions:
Hereditary cancer-predisposing syndrome. Also called: Hereditary Cancer Syndrome; Hereditary neoplastic syndrome; Tumor predisposition; Neoplastic Syndromes, Hereditary. Identifiers: Orphanet 140162, MedGen C0027672, MeSH D009386, MONDO:0015356.
Cardiovascular phenotype. Identifiers: MedGen CN230736.

Submission:

Ambry Genetics
Classification: Uncertain significance for Cardiovascular phenotype; Hereditary cancer-predisposing syndrome. Last evaluated: 2024-08-30. Review status: criteria provided, single submitter. Criteria: Ambry Variant Classification Scheme 2023. Collection method: clinical testing. Allele origin: germline.
Comment: The p.T111N variant (also known as c.332C>A), located in coding exon 4 of the LZTR1 gene, results from a C to A substitution at nucleotide position 332. The threonine at codon 111 is replaced by asparagine, an amino acid with similar properties. This amino acid position is conserved. In addition, this alteration is predicted to be tolerated by in silico analysis. Based on the available evidence, the clinical significance of this variant remains unclear.